The following is an entry in ClinVar:

NM_001042492.3(NF1):c.7000G>C (p.Gly2334Arg)

Gene: NF1 (neurofibromin 1; plus strand). Cytogenetic location: 17q11.2.
Variant type: single nucleotide variant.
Coding change: c.7000G>C on transcript NM_001042492.3 (MANE Select); coding-DNA position 7000, G replaced by C.
Protein change: p.Gly2334Arg; replaces glycine 2334 with arginine.
Molecular consequence: missense variant.
Genome position (GRCh38, 1-based): chr17:31,340,583, G>C. VCF-style: chr17-31340583-G-C. GRCh37 (hg19) VCF-style: chr17-29667601-G-C.
Other names: c.6937G>C, p.Gly2313Arg (NM_000267.4); short protein forms G2313R, G2334R.
Identifiers: ClinVar variation 1048740 (VCV001048740.8), dbSNP rs1597848100, ClinGen allele CA399015010.

ClinVar aggregate classification (germline): Conflicting classifications of pathogenicity. Review status: criteria provided, conflicting classifications (1 of 4 stars). 4 submissions from 4 submitters: Pathogenic (2); Uncertain significance (1). 1 of the submissions does not count toward it. Last evaluated 2024-12-23.

Conditions:
Neurofibromatosis, type 1 (NF1). Also called: Peripheral type neurofibromatosis; Neurofibromatosis, type I; VON RECKLINGHAUSEN DISEASE; NEUROFIBROMATOSIS, TYPE I, SOMATIC. Identifiers: Orphanet 636, MedGen C0027831, MONDO:0018975, OMIM 162200. Disease mechanism: loss of function.

Allele frequency attached by ClinVar (database versions not stated): gnomAD exomes below 0.00001.
gnomAD v4.1: 1 of 1,614,040 alleles (0.000062%); highest among the groups gnomAD compares: Non-Finnish European, 0.000085%; no homozygotes.

Submissions (4):

GeneDx
Classification: Uncertain significance. Last evaluated: 2024-12-23. Review status: criteria provided, single submitter. Criteria: GeneDx Variant Classification Process June 2021. Collection method: clinical testing. Allele origin: germline. Affected: yes.
Comment: Not observed at significant frequency in large population cohorts (gnomAD); In silico analysis supports that this missense variant has a deleterious effect on protein structure/function; This variant is associated with the following publications: (PMID: 25486365, 37272364)

Labcorp Genetics (formerly Invitae), Labcorp
Classification: Pathogenic for Neurofibromatosis, type 1. Last evaluated: 2024-07-01. Review status: criteria provided, single submitter. Criteria: Invitae Variant Classification Sherloc (09022015). Collection method: clinical testing. Allele origin: germline.
Comment: This sequence change replaces glycine, which is neutral and non-polar, with arginine, which is basic and polar, at codon 2313 of the NF1 protein (p.Gly2313Arg). This variant is not present in population databases (gnomAD no frequency). This missense change has been observed in individual(s) with neurofibromatosis type 1 (PMID: 37272364). This variant is also known as c.7000G>C (p.Gly2334Arg). ClinVar contains an entry for this variant (Variation ID: 1048740). Advanced modeling of protein sequence and biophysical properties (such as structural, functional, and spatial information, amino acid conservation, physicochemical variation, residue mobility, and thermodynamic stability) performed at Invitae indicates that this missense variant is expected to disrupt NF1 protein function with a positive predictive value of 95%. This variant disrupts the p.Gly2313 amino acid residue in NF1. Other variant(s) that disrupt this residue have been determined to be pathogenic (PMID: 21520333, 26740943; Invitae). This suggests that this residue is clinically significant, and that variants that disrupt this residue are likely to be disease-causing. For these reasons, this variant has been classified as Pathogenic.

Victorian Clinical Genetics Services, Murdoch Childrens Research Institute
Classification: Pathogenic for Neurofibromatosis, type 1. Last evaluated: 2023-07-17. Review status: criteria provided, single submitter. Criteria: ACMG Guidelines, 2015. Collection method: clinical testing. Allele origin: germline. Inheritance: Autosomal dominant inheritance. Affected: yes.
Comment: Based on the classification scheme VCGS_Germline_v1.3.4, this variant is classified as Pathogenic. Following criteria are met: 0102 - Loss of function is a known mechanism of disease in this gene and is associated with neurofibromatosis, type 1 (MIM#162200) and other conditions (OMIM). (I) 0107 - This gene is associated with autosomal dominant disease. (I) 0115 - Variants in this gene are known to have variable expressivity (PMID: 20301288). (I) 0200 - Variant is predicted to result in a missense amino acid change from glycine to arginine. (I) 0251 - This variant is heterozygous. (I) 0301 - Variant is absent from gnomAD (both v2 and v3). (SP) 0501 - Missense variant consistently predicted to be damaging by multiple in silico tools or highly conserved with a major amino acid change. (SP) 0604 - Variant is not located in an established domain, motif, hotspot or informative constraint region. (I) 0703 - Another missense variant comparable to the one identified in this case has moderate previous evidence for pathogenicity. This alternative change (p.(Gly2334Asp)) has been reported in at least two individuals with neurofibromatosis type 1 (ClinVar, PMID: 26740943). An additional variant (p.(Gly2334Ser)) has been reported as a VUS (ClinVar). (SP) 0803 - This variant has limited previous evidence of pathogenicity in an unrelated individual. This variant has been reported as likely pathogenic (ClinVar). (SP) 0905 - No published segregation evidence has been identified for this variant. (I) 1007 - No published functional evidence has been identified for this variant. (I) 1102 - Strong phenotype match for this individual. (SP) 1208 - Inheritance information for this variant is not currently available in this individual. (I) Legend: (SP) - Supporting pathogenic, (I) - Information, (SB) - Supporting benign

Laboratory of Medical Genetics, National & Kapodistrian University of Athens
Classification: Likely pathogenic for Neurofibromatosis, type 1. Last evaluated: 2019-01-01. Review status: no assertion criteria provided. Collection method: clinical testing. Allele origin: germline. Affected: yes. Not counted in ClinVar's aggregate classification.

Literature cited by the submitters: PubMed 37272364 (cited by Labcorp Genetics (formerly Invitae), Labcorp); PubMed 21520333 (cited by Labcorp Genetics (formerly Invitae), Labcorp); PubMed 26740943 (cited by Labcorp Genetics (formerly Invitae), Labcorp and Victorian Clinical Genetics Services, Murdoch Childrens Research Institute); PubMed 20301288 (cited by Victorian Clinical Genetics Services, Murdoch Childrens Research Institute).